The following is an entry in ClinVar:

ClinVar aggregate classification (germline): Uncertain significance (1 of 4 stars; one submission).

Allele frequency attached by ClinVar (database versions not stated): gnomAD 0.00003; TOPMed 0.00003; gnomAD exomes 0.00004; ESP Exome Variant Server 0.00008; ExAC 0.00019.
gnomAD v4.1: 68 of 1,550,662 alleles (0.0044%); highest among the groups gnomAD compares: South Asian, 0.031%; no homozygotes.

Submission:

Labcorp Genetics (formerly Invitae), Labcorp
Classification: Uncertain significance. Last evaluated: 2022-06-23. Review status: criteria provided, single submitter. Criteria: Invitae Variant Classification Sherloc (09022015). Collection method: clinical testing. Allele origin: germline.
Comment: This sequence change replaces valine, which is neutral and non-polar, with isoleucine, which is neutral and non-polar, at codon 435 of the ALOX12B protein (p.Val435Ile). This variant is present in population databases (rs369807670, gnomAD 0.03%). This variant has not been reported in the literature in individuals affected with ALOX12B-related conditions. Advanced modeling of protein sequence and biophysical properties (such as structural, functional, and spatial information, amino acid conservation, physicochemical variation, residue mobility, and thermodynamic stability) performed at Invitae indicates that this missense variant is not expected to disrupt ALOX12B protein function. In summary, the available evidence is currently insufficient to determine the role of this variant in disease. Therefore, it has been classified as a Variant of Uncertain Significance.

NM_001139.3(ALOX12B):c.1303G>A (p.Val435Ile)

Gene: ALOX12B (arachidonate 12-lipoxygenase, 12R type; minus strand). Cytogenetic location: 17p13.1.
Variant type: single nucleotide variant.
Coding change: c.1303G>A on transcript NM_001139.3 (MANE Select); coding-DNA position 1303, G replaced by A.
Protein change: p.Val435Ile; replaces valine 435 with isoleucine.
Molecular consequence: missense variant.
Genome position (GRCh38, 1-based): chr17:8,076,716, C>T on the plus strand (G>A on the coding strand, the complement: ALOX12B is on the minus strand). VCF-style: chr17-8076716-C-T. GRCh37 (hg19) VCF-style: chr17-7980034-C-T.
Other names: short protein forms V435I.
Identifiers: ClinVar variation 2181714 (VCV002181714.3), dbSNP rs369807670, ClinGen allele CA8367344.